The following is an entry in ClinVar:

ClinVar aggregate classification (germline): Likely benign (0 of 4 stars; one submission).

Conditions:
MBOAT7-related disorder. Also called: MBOAT7-related condition.

Allele frequency attached by ClinVar (database versions not stated): gnomAD exomes 0.00001; TOPMed 0.00003; gnomAD 0.00004.
gnomAD v4.1: 14 of 1,465,466 alleles (0.00096%); highest among the groups gnomAD compares: African/African-American, 0.0028%; no homozygotes.

Submission:

PreventionGenetics, part of Exact Sciences
Classification: Likely benign for MBOAT7-related condition. Last evaluated: 2019-06-25. Review status: no assertion criteria provided. Collection method: clinical testing. Allele origin: germline.
Comment: This variant is classified as likely benign based on ACMG/AMP sequence variant interpretation guidelines (Richards et al. 2015 PMID: 25741868, with internal and published modifications).

NM_024298.5(MBOAT7):c.494-3C>T

Gene: MBOAT7 (membrane bound acylglycerophosphatidylinositol O-acyltransferase MBOAT7; minus strand). Cytogenetic location: 19q13.42.
Variant type: single nucleotide variant.
Coding change: c.494-3C>T on transcript NM_024298.5 (MANE Select); 3 bases into the intron before coding-DNA position 494, C replaced by T.
Molecular consequence: intron variant.
Genome position (GRCh38, 1-based): chr19:54,181,136, G>A on the plus strand (C>T on the coding strand, the complement: MBOAT7 is on the minus strand). VCF-style: chr19-54181136-G-A. GRCh37 (hg19) VCF-style: chr19-54684853-G-A.
Other names: c.275-3C>T (NM_001146056.3, NM_001146083.3); c.494-3C>T (NM_001146082.3).
Identifiers: ClinVar variation 3043262 (VCV003043262.2), dbSNP rs746001095, ClinGen allele CA309346685.